The following is an entry in ClinVar:

NM_001012614.2(CTBP1):c.1259C>T (p.Ala420Val)

Genes: CTBP1 (C-terminal binding protein 1; minus strand), CTBP1-AS (CTBP1 antisense RNA; plus strand). Cytogenetic location: 4p16.3.
Variant type: single nucleotide variant.
Coding change: c.1259C>T on transcript NM_001012614.2 (MANE Select); coding-DNA position 1259, C replaced by T.
Protein change: p.Ala420Val; replaces alanine 420 with valine.
Molecular consequence: missense variant. On other transcripts: non-coding transcript variant (1).
Genome position (GRCh38, 1-based): chr4:1,212,271, G>A on the plus strand (C>T on the coding strand, the complement: CTBP1 is on the minus strand). VCF-style: chr4-1212271-G-A. GRCh37 (hg19) VCF-style: chr4-1206059-G-A.
Other names: c.1292C>T, p.Ala431Val (NM_001328.3); c.1295C>T, p.Ala432Val (NM_001377186.1); c.1262C>T, p.Ala421Val (NM_001377187.1, NM_001377188.1, NM_001377189.1 and 1 more transcripts); c.1259C>T, p.Ala420Val (NM_001377191.1, NM_001377192.1, NM_001377193.1); short protein forms A420V, A432V, A431V, A421V.
Identifiers: ClinVar variation 1946483 (VCV001946483.5), dbSNP rs200540863, ClinGen allele CA2804142.

ClinVar aggregate classification (germline): Uncertain significance (1 of 4 stars; one submission).

Allele frequency attached by ClinVar (database versions not stated): gnomAD 0.00001; TOPMed 0.00001; ExAC 0.00041.
gnomAD v4.1: 44 of 1,501,984 alleles (0.0029%); highest among the groups gnomAD compares: Middle Eastern, 0.019%; no homozygotes.

Submission:

Labcorp Genetics (formerly Invitae), Labcorp
Classification: Uncertain significance. Last evaluated: 2022-10-24. Review status: criteria provided, single submitter. Criteria: Invitae Variant Classification Sherloc (09022015). Collection method: clinical testing. Allele origin: germline.
Comment: In summary, the available evidence is currently insufficient to determine the role of this variant in disease. Therefore, it has been classified as a Variant of Uncertain Significance. Algorithms developed to predict the effect of missense changes on protein structure and function are either unavailable or do not agree on the potential impact of this missense change (SIFT: "Deleterious"; PolyPhen-2: "Benign"; Align-GVGD: "Class C0"). This variant has not been reported in the literature in individuals affected with CTBP1-related conditions. The frequency data for this variant in the population databases is considered unreliable, as metrics indicate poor data quality at this position in the gnomAD database. This sequence change replaces alanine, which is neutral and non-polar, with valine, which is neutral and non-polar, at codon 431 of the CTBP1 protein (p.Ala431Val).